The following is an entry in ClinVar:

NM_000321.3(RB1):c.2490-29C>T

Gene: RB1 (RB transcriptional corepressor 1; plus strand). Cytogenetic location: 13q14.2.
Variant type: single nucleotide variant.
Coding change: c.2490-29C>T on transcript NM_000321.3 (MANE Select); 29 bases into the intron before coding-DNA position 2490, C replaced by T.
Molecular consequence: intron variant.
Genome position (GRCh38, 1-based): chr13:48,473,331, C>T. VCF-style: chr13-48473331-C-T. GRCh37 (hg19) VCF-style: chr13-49047467-C-T.
Other names: c.2490-29C>T (NM_001407165.1).
Identifiers: ClinVar variation 4739672 (VCV004739672.1).

ClinVar aggregate classification (germline): Conflicting classifications of pathogenicity. Review status: criteria provided, conflicting classifications (1 of 4 stars). 2 submissions from 2 submitters: Uncertain significance (1); Likely benign (1). Last evaluated 2026-01-05.

Conditions:
Retinoblastoma (RB1). Also called: RETINOBLASTOMA, SOMATIC. Identifiers: Orphanet 790, MedGen C0035335, MeSH D012175, MONDO:0008380, OMIM 180200, HP:0009919. Disease mechanism: loss of function. Inheritance: Both sporadic and heritable forms are tested..

gnomAD v4.1: 24 of 1,538,186 alleles (0.0016%); highest among the groups gnomAD compares: Non-Finnish European, 0.0021%; no homozygotes.

Submissions (2):

Labcorp Genetics (formerly Invitae), Labcorp
Classification: Likely benign for Retinoblastoma. Last evaluated: 2026-01-05. Review status: criteria provided, single submitter. Criteria: Invitae Variant Classification Sherloc (09022015). Collection method: clinical testing. Allele origin: germline.

Color Diagnostics, LLC DBA Color Health
Classification: Uncertain significance for Retinoblastoma. Last evaluated: 2025-06-17. Review status: criteria provided, single submitter. Criteria: ACMG Guidelines, 2015. Collection method: clinical testing. Allele origin: germline.
Comment: This variant causes a C to T nucleotide substitution at the -29 position of intron 23 of the RB1 gene. To our knowledge, RNA studies have not been reported for this variant. This variant has not been reported in individuals affected with RB1-related disorders in the literature. This variant has been identified in 1/249674 chromosomes in the general population by the Genome Aggregation Database (gnomAD). The available evidence is insufficient to determine the role of this variant in disease conclusively. Therefore, this variant is classified as a Variant of Uncertain Significance.